The following is an entry in ClinVar:

ClinVar aggregate classification (germline): Uncertain significance (1 of 4 stars; one submission).

Submission:

Labcorp Genetics (formerly Invitae), Labcorp
Classification: Uncertain significance. Last evaluated: 2021-12-10. Review status: criteria provided, single submitter. Criteria: Invitae Variant Classification Sherloc (09022015). Collection method: clinical testing. Allele origin: germline.
Comment: In summary, the available evidence is currently insufficient to determine the role of this variant in disease. Therefore, it has been classified as a Variant of Uncertain Significance. Algorithms developed to predict the effect of missense changes on protein structure and function are either unavailable or do not agree on the potential impact of this missense change (SIFT: "Tolerated"; PolyPhen-2: "Probably Damaging"; Align-GVGD: "Class C0"). This variant has not been reported in the literature in individuals affected with CD40-related conditions. This variant is not present in population databases (gnomAD no frequency). This sequence change replaces arginine, which is basic and polar, with serine, which is neutral and polar, at codon 270 of the CD40 protein (p.Arg270Ser).

NM_001250.6(CD40):c.808C>A (p.Arg270Ser)

Gene: CD40 (CD40 molecule; plus strand). Cytogenetic location: 20q13.12.
Variant type: single nucleotide variant.
Coding change: c.808C>A on transcript NM_001250.6 (MANE Select); coding-DNA position 808, C replaced by A.
Protein change: p.Arg270Ser; replaces arginine 270 with serine.
Molecular consequence: missense variant. On other transcripts: 3 prime UTR variant (3), non-coding transcript variant (2).
Genome position (GRCh38, 1-based): chr20:46,129,014, C>A. VCF-style: chr20-46129014-C-A. GRCh37 (hg19) VCF-style: chr20-44757653-C-A.
Other names: c.*134C>A (NM_001302753.2, NM_001362758.2, NM_152854.4); c.820C>A, p.Arg274Ser (NM_001322421.2); c.652C>A, p.Arg218Ser (NM_001322422.2); short protein forms R218S, R274S, R270S.
Identifiers: ClinVar variation 1396737 (VCV001396737.6), dbSNP rs1467218500, ClinGen allele CA409212315.